The following is an entry in ClinVar:

NM_005202.4(COL8A2):c.546G>T (p.Gly182=)

Gene: COL8A2 (collagen type VIII alpha 2 chain; minus strand). Cytogenetic location: 1p34.3.
Variant type: single nucleotide variant.
Coding change: c.546G>T on transcript NM_005202.4 (MANE Select); coding-DNA position 546, G replaced by T.
Protein change: p.Gly182=; no amino-acid change (glycine 182 retained).
Molecular consequence: synonymous variant.
Genome position (GRCh38, 1-based): chr1:36,099,135, C>A on the plus strand (G>T on the coding strand, the complement: COL8A2 is on the minus strand). VCF-style: chr1-36099135-C-A. GRCh37 (hg19) VCF-style: chr1-36564736-C-A.
Other names: c.351G>T, p.Gly117= (NM_001294347.2); c.546G>T (NM_005202.3).
Identifiers: ClinVar variation 4798401 (VCV004798401.2).

ClinVar aggregate classification (germline): Benign/Likely benign. Review status: criteria provided, multiple submitters, no conflicts (2 of 4 stars). 2 submissions from 2 submitters: Benign (1); Likely benign (1). Last evaluated 2025-05-13.

Conditions:
COL8A2-related disorder. Also called: COL8A2-related condition.

gnomAD v4.1: 209 of 1,504,404 alleles (0.014%); highest among the groups gnomAD compares: African/African-American, 0.25%; no homozygotes.

Submissions (2):

Labcorp Genetics (formerly Invitae), Labcorp
Classification: Benign. Last evaluated: 2025-05-13. Review status: criteria provided, single submitter. Criteria: Invitae Variant Classification Sherloc (09022015). Collection method: clinical testing. Allele origin: germline.

PreventionGenetics, part of Exact Sciences
Classification: Likely benign for COL8A2-related condition. Last evaluated: 2024-10-26. Review status: criteria provided, single submitter. Criteria: ACMG Guidelines, 2015. Collection method: clinical testing. Allele origin: germline.
Comment: This variant is classified as likely benign based on ACMG/AMP sequence variant interpretation guidelines (Richards et al. 2015 PMID: 25741868, with internal and published modifications).